The following is an entry in ClinVar:

NM_000257.4(MYH7):c.5090G>A (p.Arg1697Gln)

Genes: MHRT (myosin heavy chain associated RNA transcript; plus strand), MYH7 (myosin heavy chain 7; minus strand), LOC126861897 (BRD4-independent group 4 enhancer GRCh37_chr14:23884455-23885654; plus strand). Cytogenetic location: 14q11.2.
Variant type: single nucleotide variant.
Coding change: c.5090G>A on transcript NM_000257.4 (MANE Select); coding-DNA position 5090, G replaced by A.
Protein change: p.Arg1697Gln; replaces arginine 1697 with glutamine.
Molecular consequence: missense variant. On other transcripts: non-coding transcript variant (1).
Genome position (GRCh38, 1-based): chr14:23,415,696, C>T on the plus strand (G>A on the coding strand, the complement: MYH7 is on the minus strand). VCF-style: chr14-23415696-C-T. GRCh37 (hg19) VCF-style: chr14-23884905-C-T.
Other names: c.5090G>A (NM_000257.2); short protein forms R1697Q.
Identifiers: ClinVar variation 1006683 (VCV001006683.15), dbSNP rs766831916, ClinGen allele CA045288.

ClinVar aggregate classification (germline): Uncertain significance. Review status: criteria provided, multiple submitters, no conflicts (2 of 4 stars). 6 submissions from 6 submitters: Uncertain significance (6). Last evaluated 2025-08-28.

Conditions:
Cardiomyopathy (CMYO). Also called: Cardiomyopathies. Identifiers: Orphanet 167848, MedGen C0878544, MONDO:0004994, HP:0001638. Inheritance: Various modes of inheritance.
Cardiovascular phenotype. Identifiers: MedGen CN230736.
Hypertrophic cardiomyopathy. Also called: HYPERTROPHIC MYOCARDIOPATHY. Identifiers: Orphanet 217569, MedGen C0007194, MeSH D002312, MONDO:0005045, HP:0001639.

Allele frequency attached by ClinVar (database versions not stated): TOPMed below 0.00001; gnomAD exomes 0.00001 and 0.00002; ExAC 0.00002.
gnomAD v4.1: 15 of 1,614,128 alleles (0.00093%); highest among the groups gnomAD compares: East Asian, 0.0045%; no homozygotes.

Submissions (6):

Labcorp Genetics (formerly Invitae), Labcorp
Classification: Uncertain significance for Hypertrophic cardiomyopathy. Last evaluated: 2025-08-28. Review status: criteria provided, single submitter. Criteria: Invitae Variant Classification Sherloc (09022015). Collection method: clinical testing. Allele origin: germline.
Comment: This sequence change replaces arginine, which is basic and polar, with glutamine, which is neutral and polar, at codon 1697 of the MYH7 protein (p.Arg1697Gln). This variant is present in population databases (rs766831916, gnomAD 0.01%). This missense change has been observed in individual(s) with dilated cardiomyopathy (PMID: 37652022). ClinVar contains an entry for this variant (Variation ID: 1006683). Invitae Evidence Modeling of protein sequence and biophysical properties (such as structural, functional, and spatial information, amino acid conservation, physicochemical variation, residue mobility, and thermodynamic stability) indicates that this missense variant is expected to disrupt MYH7 protein function with a positive predictive value of 95%. In summary, the available evidence is currently insufficient to determine the role of this variant in disease. Therefore, it has been classified as a Variant of Uncertain Significance.

Ambry Genetics
Classification: Uncertain significance for Cardiovascular phenotype. Last evaluated: 2025-01-27. Review status: criteria provided, single submitter. Criteria: Ambry Variant Classification Scheme 2023. Collection method: clinical testing. Allele origin: germline.
Comment: The p.R1697Q variant (also known as c.5090G>A), located in coding exon 33 of the MYH7 gene, results from a G to A substitution at nucleotide position 5090. The arginine at codon 1697 is replaced by glutamine, an amino acid with highly similar properties. This variant was reported in individual(s) with features consistent with dilated cardiomyopathy and hypertrophic cardiomyopathy (Mazzarotto F et al. Circulation, 2020 Feb;141:387-398; Dejgaard LA et al. Data Brief. 2017 Dec;15:30-39). This amino acid position is highly conserved in available vertebrate species. In addition, this alteration is predicted to be deleterious by in silico analysis. Based on the available evidence, the clinical significance of this variant remains unclear.

GeneDx
Classification: Uncertain significance. Last evaluated: 2024-07-24. Review status: criteria provided, single submitter. Criteria: GeneDx Variant Classification Process June 2021. Collection method: clinical testing. Allele origin: germline. Affected: yes.
Comment: Identified in patients referred for genetic testing for cardiomyopathy; however, detailed clinical information was not provided (PMID: 28971120, 37652022, 31983221, 34542152); Not observed at significant frequency in large population cohorts (gnomAD); In silico analysis supports that this missense variant has a deleterious effect on protein structure/function; This variant is associated with the following publications: (PMID: 34542152, 28971120, 37652022, 31983221, 35653365)

All of Us Research Program, National Institutes of Health
Classification: Uncertain significance for Cardiomyopathy. Last evaluated: 2024-02-05. Review status: criteria provided, single submitter. Criteria: ACMG Guidelines, 2015. Collection method: clinical testing. Allele origin: germline. Inheritance: Autosomal dominant inheritance. Observed: 2 variant alleles, 2 heterozygotes.
Comment: This missense variant replaces arginine with glutamine at codon 1697 of the MYH7 protein. Computational prediction suggests that this variant may have deleterious impact on protein structure and function (internally defined REVEL score threshold >= 0.7, PMID: 27666373). To our knowledge, functional studies have not been reported for this variant. This variant has been reported in an individual affected with hypertrophic cardiomyopathy (PMID: 28971120). It has also been reported in an individual affected with dilated cardiomyopathy (PMID: 31983221). This variant has been identified in 5/251264 chromosomes in the general population by the Genome Aggregation Database (gnomAD). The available evidence is insufficient to determine the role of this variant in disease conclusively. Therefore, this variant is classified as a Variant of Uncertain Significance.

This study involves interpretation of variants in research participants for the purpose of population health screening. Participant phenotype was not available at the time of variant classification. Additional details can be found in publication PMID: 35346344, PMCID: PMC8962531

Color Diagnostics, LLC DBA Color Health
Classification: Uncertain significance for Cardiomyopathy. Last evaluated: 2023-10-26. Review status: criteria provided, single submitter. Criteria: ACMG Guidelines, 2015. Collection method: clinical testing. Allele origin: germline.
Comment: This missense variant replaces arginine with glutamine at codon 1697 of the MYH7 protein. Computational prediction suggests that this variant may have deleterious impact on protein structure and function (internally defined REVEL score threshold >= 0.7, PMID: 27666373). To our knowledge, functional studies have not been reported for this variant. This variant has been reported in an individual affected with hypertrophic cardiomyopathy (PMID: 28971120). It has also been reported in an individual affected with dilated cardiomyopathy (PMID: 31983221). This variant has been identified in 5/251264 chromosomes in the general population by the Genome Aggregation Database (gnomAD). The available evidence is insufficient to determine the role of this variant in disease conclusively. Therefore, this variant is classified as a Variant of Uncertain Significance.

Women's Health and Genetics/Laboratory Corporation of America, LabCorp
Classification: Uncertain significance. Last evaluated: 2022-09-06. Review status: criteria provided, single submitter. Criteria: LabCorp Variant Classification Summary - May 2015. Collection method: clinical testing. Allele origin: germline.
Comment: Variant summary: MYH7 c.5090G>A (p.Arg1697Gln) results in a conservative amino acid change located in the Myosin tail domain (IPR002928) of the encoded protein sequence. Four of five in-silico tools predict a damaging effect of the variant on protein function. The variant allele was found at a frequency of 2e-05 in 251264 control chromosomes (gnomAD). The available data on variant occurrences in the general population are insufficient to allow any conclusion about variant significance. To our knowledge c.5090G>A has not been reported in the literature in individuals affected with Cardiomyopathy and no experimental evidence demonstrating an impact on protein function has been reported. One clinical diagnostic laboratory has submitted clinical-significance assessments for this variant to ClinVar after 2014 and classified the variant as uncertain significance. Based on the evidence outlined above, the variant was classified as uncertain significance.

Literature cited by the submitters: PubMed 37652022 (cited by Labcorp Genetics (formerly Invitae), Labcorp); PubMed 28971120 (cited by 3 submitters); PubMed 31983221 (cited by 3 submitters); PubMed 34542152 (cited by Women's Health and Genetics/Laboratory Corporation of America, LabCorp).